The following is an entry in ClinVar:

ClinVar aggregate classification (germline): Benign (0 of 4 stars; one submission).

Conditions:
KIFAP3-related disorder. Also called: KIFAP3-related condition.

Allele frequency attached by ClinVar (database versions not stated): gnomAD exomes 0.00024; ExAC 0.00058; 1000 Genomes Project 0.00200; ESP Exome Variant Server 0.00200; gnomAD 0.00216; 1000 Genomes Project 30x 0.00219; TOPMed 0.00239.
gnomAD v4.1: 682 of 1,601,134 alleles (0.043%); highest among the groups gnomAD compares: African/African-American, 0.84%; 1 homozygote.

Submission:

PreventionGenetics, part of Exact Sciences
Classification: Benign for KIFAP3-related condition. Last evaluated: 2019-12-23. Review status: no assertion criteria provided. Collection method: clinical testing. Allele origin: germline.
Comment: This variant is classified as benign based on ACMG/AMP sequence variant interpretation guidelines (Richards et al. 2015 PMID: 25741868, with internal and published modifications).

NM_014970.4(KIFAP3):c.1537T>G (p.Ser513Ala)

Gene: KIFAP3 (kinesin associated protein 3; minus strand). Cytogenetic location: 1q24.2.
Variant type: single nucleotide variant.
Coding change: c.1537T>G on transcript NM_014970.4 (MANE Select); coding-DNA position 1537, T replaced by G.
Protein change: p.Ser513Ala; replaces serine 513 with alanine.
Molecular consequence: missense variant.
Genome position (GRCh38, 1-based): chr1:169,982,837, A>C on the plus strand (T>G on the coding strand, the complement: KIFAP3 is on the minus strand). VCF-style: chr1-169982837-A-C. GRCh37 (hg19) VCF-style: chr1-169951978-A-C.
Other names: c.1303T>G, p.Ser435Ala (NM_001204514.2); c.1405T>G, p.Ser469Ala (NM_001204516.2); c.1417T>G, p.Ser473Ala (NM_001204517.2); c.1537T>G, p.Ser513Ala (NM_001375830.1, NM_001375831.1); short protein forms S435A, S469A, S473A, S513A.
Identifiers: ClinVar variation 3048020 (VCV003048020.2), dbSNP rs12075833, ClinGen allele CA1238365.